The following is an entry in ClinVar:

NM_000245.4(MET):c.3858_3859delinsTA (p.Val1287Ile)

Gene: MET (MET proto-oncogene, receptor tyrosine kinase; plus strand). Cytogenetic location: 7q31.2.
Variant type: Indel.
Coding change: c.3858_3859delinsTA on transcript NM_000245.4 (MANE Select); coding-DNA positions 3858 to 3859, CG replaced by TA.
Protein change: p.Val1287Ile; replaces valine 1287 with isoleucine.
Molecular consequence: missense variant.
Genome position (GRCh38, 1-based): chr7:116,795,714-116,795,715, CG replaced by TA. VCF-style: chr7-116795714-CG-TA. GRCh37 (hg19) VCF-style: chr7-116435768-CG-TA.
Other names: c.3912_3913delinsTA, p.Val1305Ile (NM_001127500.3); c.2568_2569delinsTA, p.Val857Ile (NM_001324402.2); short protein forms V1305I, V857I, V1287I.
Identifiers: ClinVar variation 3395167 (VCV003395167.1).

ClinVar aggregate classification (germline): Uncertain significance (1 of 4 stars; one submission).

Conditions:
Hereditary cancer-predisposing syndrome. Also called: Hereditary Cancer Syndrome; Tumor predisposition; Hereditary neoplastic syndrome; Neoplastic Syndromes, Hereditary. Identifiers: Orphanet 140162, MedGen C0027672, MeSH D009386, MONDO:0015356.

Submission:

Ambry Genetics
Classification: Uncertain significance for Hereditary cancer-predisposing syndrome. Last evaluated: 2024-10-18. Review status: criteria provided, single submitter. Criteria: Ambry Variant Classification Scheme 2023. Collection method: clinical testing. Allele origin: germline.
Comment: The c.3912_3913delCGinsTA variant, located in coding exon 19 of the MET gene, results from an in-frame deletion of CG and insertion of TA at nucleotide positions 3912 to 3913. This results in the substitution of the valine residue for an isoleucine residue at codon 1305, an amino acid with highly similar properties. In addition, this alteration is predicted to be neutral by in silico analysis (Choi Y et al. PLoS ONE. 2012; 7(10):e46688). Based on the available evidence, the clinical significance of this variant remains unclear.